The following is an entry in ClinVar:

NM_001370259.2(MEN1):c.1262G>A (p.Cys421Tyr)

Gene: MEN1 (menin 1; minus strand). Cytogenetic location: 11q13.1.
Variant type: single nucleotide variant.
Coding change: c.1262G>A on transcript NM_001370259.2 (MANE Select); coding-DNA position 1262, G replaced by A.
Protein change: p.Cys421Tyr; replaces cysteine 421 with tyrosine.
Molecular consequence: missense variant.
Genome position (GRCh38, 1-based): chr11:64,805,122, C>T on the plus strand (G>A on the coding strand, the complement: MEN1 is on the minus strand). VCF-style: chr11-64805122-C-T. GRCh37 (hg19) VCF-style: chr11-64572594-C-T.
Other names: p.C421Y:TGC>TAC; c.1277G>A, p.Cys426Tyr (NM_000244.4, NM_130800.3, NM_130801.3 and 3 more transcripts); c.1388G>A, p.Cys463Tyr (NM_001370251.2); c.1262G>A, p.Cys421Tyr (NM_001370260.2, NM_001370261.2, NM_130799.3); c.1157G>A, p.Cys386Tyr (NM_001370262.2, NM_001370263.2); short protein forms C421Y, C426Y, C386Y, C463Y.
Identifiers: ClinVar variation 36523 (VCV000036523.28), dbSNP rs386134249, ClinGen allele CA009105.

ClinVar aggregate classification (germline): Pathogenic/Likely pathogenic. Review status: criteria provided, multiple submitters, no conflicts (2 of 4 stars). 6 submissions from 6 submitters: Pathogenic (3); Likely pathogenic (3). Last evaluated 2025-12-22.

Conditions:
Hereditary cancer-predisposing syndrome. Also called: Neoplastic Syndromes, Hereditary; Hereditary neoplastic syndrome; Tumor predisposition; Hereditary Cancer Syndrome. Identifiers: Orphanet 140162, MedGen C0027672, MeSH D009386, MONDO:0015356.
Multiple endocrine neoplasia, type 1 (MEN1). Also called: Endocrine adenomatosis multiple; MEN 1; MEA I; MEN I; WERMER SYNDROME. Identifiers: Orphanet 652, MedGen C0025267, MeSH D018761, MONDO:0007540, OMIM 131100.

Allele frequency attached by ClinVar (database versions not stated): gnomAD exomes below 0.00001.
gnomAD v4.1: 1 of 1,614,200 alleles (0.000062%); highest among the groups gnomAD compares: Non-Finnish European, 0.000085%; no homozygotes.

Submissions (6):

Labcorp Genetics (formerly Invitae), Labcorp
Classification: Pathogenic for Multiple endocrine neoplasia, type 1. Last evaluated: 2025-12-22. Review status: criteria provided, single submitter. Criteria: Invitae Variant Classification Sherloc (09022015). Collection method: clinical testing. Allele origin: germline.
Comment: This sequence change replaces cysteine, which is neutral and slightly polar, with tyrosine, which is neutral and polar, at codon 421 of the MEN1 protein (p.Cys421Tyr). This variant is not present in population databases (gnomAD no frequency). This missense change has been observed in individuals with clinical features of MEN1-related conditions (PMID: 15714081; internal data). Invitae Evidence Modeling of clinical and family history, age, sex, and reported ancestry of multiple individuals with this MEN1 variant has been performed. This variant is expected to be pathogenic with a positive predictive value of at least 99%. This is a validated machine learning model that incorporates the clinical features of 1,366,787 individuals referred to our laboratory for MEN1 testing. ClinVar contains an entry for this variant (Variation ID: 36523). Invitae Evidence Modeling of protein sequence and biophysical properties (such as structural, functional, and spatial information, amino acid conservation, physicochemical variation, residue mobility, and thermodynamic stability) indicates that this missense variant is expected to disrupt MEN1 protein function with a positive predictive value of 95%. For these reasons, this variant has been classified as Pathogenic.

Women's Health and Genetics/Laboratory Corporation of America, LabCorp
Classification: Pathogenic for Multiple endocrine neoplasia, type 1. Last evaluated: 2024-12-26. Review status: criteria provided, single submitter. Criteria: LabCorp Variant Classification Summary - May 2015. Collection method: clinical testing. Allele origin: germline.
Comment: Variant summary: MEN1 c.1262G>A (p.Cys421Tyr) results in a non-conservative amino acid change located in the Scaffolding protein domain of the encoded protein sequence. Five of five in-silico tools predict a damaging effect of the variant on protein function. The variant was absent in 250996 control chromosomes. c.1262G>A has been reported in the literature and observed at our laboratory in multiple individuals affected with Multiple Endocrine Neoplasia Type 1 (examples, Klein_2005, Simonds_2012, Shariq_2022, Christakis_2018). These data indicate that the variant is very likely to be associated with disease. To our knowledge, no experimental evidence demonstrating an impact on protein function has been reported. The following publications have been ascertained in the context of this evaluation (PMID: 29122330, 15714081, 34183184, 21916912). ClinVar contains an entry for this variant (Variation ID: 36523). Based on the evidence outlined above, the variant was classified as pathogenic.

Ambry Genetics
Classification: Pathogenic for Hereditary cancer-predisposing syndrome. Last evaluated: 2024-08-23. Review status: criteria provided, single submitter. Criteria: Ambry Variant Classification Scheme 2023. Collection method: clinical testing. Allele origin: germline.
Comment: The p.C421Y variant (also known as c.1262G>A), located in coding exon 8 of the MEN1 gene, results from a G to A substitution at nucleotide position 1262. The cysteine at codon 421 is replaced by tyrosine, an amino acid with highly dissimilar properties. This variant has been observed in multiple individuals with a personal and/or family history that is consistent with multiple endocrine neoplasia type 1 (Ambry internal data). This amino acid position is highly conserved in available vertebrate species. In addition, this alteration is predicted to be deleterious by in silico analysis. Based on the supporting evidence, this variant is interpreted as a disease-causing mutation.

GeneDx
Classification: Likely pathogenic. Last evaluated: 2023-10-25. Review status: criteria provided, single submitter. Criteria: GeneDx Variant Classification Process June 2021. Collection method: clinical testing. Allele origin: germline. Affected: yes.
Comment: Not observed at significant frequency in large population cohorts (gnomAD); In silico analysis supports that this missense variant has a deleterious effect on protein structure/function; This variant is associated with the following publications: (PMID: 17039269, 15714081, 17879353, 9989505, 34183184, 35428475)

Baylor Genetics
Classification: Likely pathogenic for Multiple Endocrine Neoplasia Type 1. Last evaluated: 2021-11-15. Review status: criteria provided, single submitter. Criteria: ACMG Guidelines, 2015. Collection method: clinical testing. Allele origin: unknown.

ARUP Laboratories, Molecular Genetics and Genomics, ARUP Laboratories
Classification: Likely pathogenic. Last evaluated: 2017-07-07. Review status: criteria provided, single submitter. Criteria: ARUP Molecular Germline Variant Investigation Process. Collection method: clinical testing. Allele origin: germline.
Comment: The MEN1 c.1262G>A;p.Cys421Tyr variant has been published in the literature in one individual with a clinical diagnosis of MEN1 (Klein 2005). The variant is listed in the dbSNP variant database (rs386134249) and the ClinVar database (Variation ID: 36523), but is not listed in the general population-based databases (Exome Variant Server, Genome Aggregation Database). The cysteine at position 421 is well conserved across species and computational algorithms (PolyPhen2, SIFT) predict this variant is deleterious. Taken together, this variant is considered likely pathogenic. References: Klein RD et al. Clinical testing for multiple endocrine neoplasia type 1 in a DNA diagnostic laboratory. Genet Med. 2005 7(2):131-8.

Literature cited by the submitters: PubMed 15714081 (cited by 3 submitters); PubMed 34183184 (cited by Women's Health and Genetics/Laboratory Corporation of America, LabCorp); PubMed 21916912 (cited by Women's Health and Genetics/Laboratory Corporation of America, LabCorp); PubMed 29122330 (cited by Women's Health and Genetics/Laboratory Corporation of America, LabCorp).